The following is an entry in ClinVar:

ClinVar aggregate classification (germline): Uncertain significance (1 of 4 stars; one submission).

Conditions:
Hereditary cancer-predisposing syndrome. Also called: Neoplastic Syndromes, Hereditary; Tumor predisposition; Hereditary neoplastic syndrome; Hereditary Cancer Syndrome. Identifiers: Orphanet 140162, MedGen C0027672, MeSH D009386, MONDO:0015356.

Allele frequency attached by ClinVar (database versions not stated): gnomAD exomes below 0.00001; gnomAD 0.00001; TOPMed 0.00002.

Submission:

Ambry Genetics
Classification: Uncertain significance for Hereditary cancer-predisposing syndrome. Last evaluated: 2018-03-30. Review status: criteria provided, single submitter. Criteria: Ambry Variant Classification Scheme 2023. Collection method: clinical testing. Allele origin: germline.
Comment: The p.S1922R variant (also known as c.5766C>G), located in coding exon 26 of the DICER1 gene, results from a C to G substitution at nucleotide position 5766. The serine at codon 1922 is replaced by arginine, an amino acid with dissimilar properties. This amino acid position is well conserved in available vertebrate species. In addition, the in silico prediction for this alteration is inconclusive. Since supporting evidence is limited at this time, the clinical significance of this alteration remains unclear.

NM_177438.3(DICER1):c.5766C>G (p.Ser1922Arg)

Gene: DICER1 (dicer 1, ribonuclease III; minus strand). Cytogenetic location: 14q32.13.
Variant type: single nucleotide variant.
Coding change: c.5766C>G on transcript NM_177438.3 (MANE Select); coding-DNA position 5766, C replaced by G.
Protein change: p.Ser1922Arg; replaces serine 1922 with arginine.
Molecular consequence: missense variant. On other transcripts: 3 prime UTR variant (1).
Genome position (GRCh38, 1-based): chr14:95,090,501, G>C on the plus strand (C>G on the coding strand, the complement: DICER1 is on the minus strand). VCF-style: chr14-95090501-G-C. GRCh37 (hg19) VCF-style: chr14-95556838-G-C.
Other names: c.*113C>G (NM_001195573.1); c.5766C>G, p.Ser1922Arg (NM_001271282.3, NM_001291628.2, NM_030621.4); short protein forms S1922R.
Identifiers: ClinVar variation 825951 (VCV000825951.4), dbSNP rs912470196, ClinGen allele CA265894530.